The following is an entry in ClinVar:

ClinVar aggregate classification (germline): Uncertain significance. Review status: criteria provided, multiple submitters, no conflicts (2 of 4 stars). 2 submissions from 2 submitters: Uncertain significance (2). Last evaluated 2022-07-12.

Allele frequency attached by ClinVar (database versions not stated): TOPMed below 0.00001; gnomAD exomes 0.00001 and 0.00002; ExAC 0.00004.
gnomAD v4.1: 15 of 1,611,596 alleles (0.00093%); highest among the groups gnomAD compares: South Asian, 0.013%; no homozygotes.

Submissions (2):

Labcorp Genetics (formerly Invitae), Labcorp
Classification: Uncertain significance. Last evaluated: 2022-07-12. Review status: criteria provided, single submitter. Criteria: Invitae Variant Classification Sherloc (09022015). Collection method: clinical testing. Allele origin: germline.
Comment: In summary, the available evidence is currently insufficient to determine the role of this variant in disease. Therefore, it has been classified as a Variant of Uncertain Significance. Algorithms developed to predict the effect of missense changes on protein structure and function are either unavailable or do not agree on the potential impact of this missense change (SIFT: "Deleterious"; PolyPhen-2: "Possibly Damaging"; Align-GVGD: "Class C0"). ClinVar contains an entry for this variant (Variation ID: 1010909). This variant has not been reported in the literature in individuals affected with PDE6B-related conditions. This variant is present in population databases (rs766706231, gnomAD 0.02%). This sequence change replaces glutamic acid, which is acidic and polar, with glutamine, which is neutral and polar, at codon 697 of the PDE6B protein (p.Glu697Gln).

Blueprint Genetics
Classification: Uncertain significance. Last evaluated: 2021-11-11. Review status: criteria provided, single submitter. Criteria: ACMG Guidelines, 2015. Collection method: clinical testing. Allele origin: germline.

NM_000283.4(PDE6B):c.2089G>C (p.Glu697Gln)

Gene: PDE6B (phosphodiesterase 6B; plus strand). Cytogenetic location: 4p16.3.
Variant type: single nucleotide variant.
Coding change: c.2089G>C on transcript NM_000283.4 (MANE Select); coding-DNA position 2089, G replaced by C.
Protein change: p.Glu697Gln; replaces glutamic acid 697 with glutamine.
Molecular consequence: missense variant.
Genome position (GRCh38, 1-based): chr4:664,181, G>C. VCF-style: chr4-664181-G-C. GRCh37 (hg19) VCF-style: chr4-657970-G-C.
Other names: c.2089G>C, p.Glu697Gln (NM_001145291.2); c.1252G>C, p.Glu418Gln (NM_001145292.2, NM_001350154.3, NM_001379246.1 and 1 more transcripts); c.934G>C, p.Glu312Gln (NM_001350155.3); short protein forms E312Q, E418Q, E697Q.
Identifiers: ClinVar variation 1010909 (VCV001010909.11), dbSNP rs766706231, ClinGen allele CA2794841.